The following is an entry in ClinVar:

ClinVar aggregate classification (germline): Conflicting classifications of pathogenicity. Review status: criteria provided, conflicting classifications (1 of 4 stars). 3 submissions from 3 submitters: Uncertain significance (1); Likely benign (1). 1 of the submissions does not count toward it. Last evaluated 2025-12-16.

Conditions:
Autoinflammatory syndrome. Identifiers: Orphanet 93665, MedGen C3890737, MONDO:0019751.
Familial Mediterranean fever (FMF). Also called: POLYSEROSITIS, FAMILIAL PAROXYSMAL; POLYSEROSITIS, RECURRENT; Periodic peritonitis; Benign paroxysmal peritonitis. Identifiers: Orphanet 342, MedGen C0031069, MONDO:0018088, OMIM 249100. Disease mechanism: gain of function.
MEFV-related disorder. Also called: MEFV-related condition; MEFV-related disorders.

Allele frequency attached by ClinVar (database versions not stated): gnomAD exomes 0.00007 and 0.00003; gnomAD 0.00003; ExAC 0.00005; TOPMed 0.00002.
gnomAD v4.1: 108 of 1,614,098 alleles (0.0067%); highest among the groups gnomAD compares: Non-Finnish European, 0.0092%; no homozygotes.

Submissions (3):

Labcorp Genetics (formerly Invitae), Labcorp
Classification: Likely benign for Familial Mediterranean fever. Last evaluated: 2025-12-16. Review status: criteria provided, single submitter. Criteria: Invitae Variant Classification Sherloc (09022015). Collection method: clinical testing. Allele origin: germline.

Genome Diagnostics Laboratory, The Hospital for Sick Children
Classification: Uncertain significance for Autoinflammatory syndrome. Last evaluated: 2022-01-21. Review status: criteria provided, single submitter. Criteria: ACMG Guidelines, 2015. Collection method: clinical testing. Allele origin: germline. Affected: yes.

PreventionGenetics, part of Exact Sciences
Classification: Likely benign for MEFV-related condition. Last evaluated: 2023-03-21. Review status: no assertion criteria provided. Collection method: clinical testing. Allele origin: germline. Not counted in ClinVar's aggregate classification.
Comment: This variant is classified as likely benign based on ACMG/AMP sequence variant interpretation guidelines (Richards et al. 2015 PMID: 25741868, with internal and published modifications).

NM_000243.3(MEFV):c.99G>A (p.Val33=)

Gene: MEFV (MEFV innate immunity regulator, pyrin; minus strand). Cytogenetic location: 16p13.3.
Variant type: single nucleotide variant.
Coding change: c.99G>A on transcript NM_000243.3 (MANE Select); coding-DNA position 99, G replaced by A.
Protein change: p.Val33=; no amino-acid change (valine 33 retained).
Molecular consequence: synonymous variant.
Genome position (GRCh38, 1-based): chr16:3,256,489, C>T on the plus strand (G>A on the coding strand, the complement: MEFV is on the minus strand). VCF-style: chr16-3256489-C-T. GRCh37 (hg19) VCF-style: chr16-3306489-C-T.
Other names: c.99G>A, p.Val33= (NM_001198536.2).
Identifiers: ClinVar variation 1101415 (VCV001101415.14), dbSNP rs767848974, ClinGen allele CA7860534.
Genomic context (GRCh38, chr16:3,256,489, plus strand): 5'-CATCTTCACCGGCCTGGCTCTCTGGATCTGGCTCCGGGGGATCCTGGAGTGCTCCTTCTG[C>T]ACACTGGTGTTCTGCAGCTTGAACTTGAACTTCTCGAAGTCATAGGGCACCAGCTCCTCC-3'
Protein context (NP_000234.1, residues 23-43): KFKFKLQNTS[Val33=]QKEHSRIPRS